The following is an entry in ClinVar:

NM_001042492.3(NF1):c.5805C>A (p.Ser1935Arg)

Gene: NF1 (neurofibromin 1; plus strand). Cytogenetic location: 17q11.2.
Variant type: single nucleotide variant.
Coding change: c.5805C>A on transcript NM_001042492.3 (MANE Select); coding-DNA position 5805, C replaced by A.
Protein change: p.Ser1935Arg; replaces serine 1935 with arginine.
Molecular consequence: missense variant.
Genome position (GRCh38, 1-based): chr17:31,330,491, C>A. VCF-style: chr17-31330491-C-A. GRCh37 (hg19) VCF-style: chr17-29657509-C-A.
Other names: c.5742C>A, p.Ser1914Arg (NM_000267.4); short protein forms S1914R, S1935R.
Identifiers: ClinVar variation 4016063 (VCV004016063.1).
Genomic context (GRCh38, chr17:31,330,491, plus strand): 5'-GGCAGCCAATGAGCCACACCTCACGTTAGAATTTTTGGAAGAGTGTATTTCTGGATTTAG[C>A]AAATCTAGTAAGTAATGATAATTTTCTTTAATACTAACAATTATTCTAAGAGAATTCAAA-3'
Protein context (NP_001035957.1, residues 1925-1945): EFLEECISGF[Ser1935Arg]KSSIELKHLC

ClinVar aggregate classification (germline): Uncertain significance (1 of 4 stars; one submission).

Conditions:
Cardiovascular phenotype. Identifiers: MedGen CN230736.
Hereditary cancer-predisposing syndrome. Also called: Tumor predisposition; Hereditary neoplastic syndrome; Neoplastic Syndromes, Hereditary; Hereditary Cancer Syndrome. Identifiers: Orphanet 140162, MedGen C0027672, MeSH D009386, MONDO:0015356.

Submission:

Ambry Genetics
Classification: Uncertain significance for Cardiovascular phenotype; Hereditary cancer-predisposing syndrome. Last evaluated: 2025-03-25. Review status: criteria provided, single submitter. Criteria: Ambry Variant Classification Scheme 2023. Collection method: clinical testing. Allele origin: germline.
Comment: The p.S1914R variant (also known as c.5742C>A), located in coding exon 38 of the NF1 gene, results from a C to A substitution at nucleotide position 5742. The serine at codon 1914 is replaced by arginine, an amino acid with dissimilar properties. This amino acid position is conserved. In addition, this alteration is predicted to be deleterious by in silico analysis. Based on the available evidence, the clinical significance of this variant remains unclear.